The following is an entry in ClinVar:

ClinVar aggregate classification (germline): Uncertain significance (1 of 4 stars; one submission).

Submission:

GeneDx
Classification: Uncertain significance. Last evaluated: 2024-04-16. Review status: criteria provided, single submitter. Criteria: GeneDx Variant Classification Process June 2021. Collection method: clinical testing. Allele origin: germline. Affected: yes.
Comment: Not observed at significant frequency in large population cohorts (gnomAD); In silico analysis indicates that this missense variant does not alter protein structure/function; Has not been previously published as pathogenic or benign to our knowledge; This variant is associated with the following publications: (PMID: 27535533)

NM_003482.4(KMT2D):c.3310C>T (p.Pro1104Ser)

Gene: KMT2D (lysine methyltransferase 2D; minus strand). Cytogenetic location: 12q13.12.
Variant type: single nucleotide variant.
Coding change: c.3310C>T on transcript NM_003482.4 (MANE Select); coding-DNA position 3310, C replaced by T.
Protein change: p.Pro1104Ser; replaces proline 1104 with serine.
Molecular consequence: missense variant.
Genome position (GRCh38, 1-based): chr12:49,050,278, G>A on the plus strand (C>T on the coding strand, the complement: KMT2D is on the minus strand). VCF-style: chr12-49050278-G-A. GRCh37 (hg19) VCF-style: chr12-49444061-G-A.
Other names: short protein forms P1104S.
Identifiers: ClinVar variation 1331168 (VCV001331168.3), dbSNP rs2120648259, ClinGen allele CA384657662.